The following is an entry in ClinVar:

NM_002087.4(GRN):c.1204C>G (p.His402Asp)

Gene: GRN (granulin precursor; plus strand). Cytogenetic location: 17q21.31.
Variant type: single nucleotide variant.
Coding change: c.1204C>G on transcript NM_002087.4 (MANE Select); coding-DNA position 1204, C replaced by G.
Protein change: p.His402Asp; replaces histidine 402 with aspartic acid.
Molecular consequence: missense variant.
Genome position (GRCh38, 1-based): chr17:44,352,039, C>G. VCF-style: chr17-44352039-C-G. GRCh37 (hg19) VCF-style: chr17-42429407-C-G.
Other names: short protein forms H402D.
Identifiers: ClinVar variation 2938303 (VCV002938303.4), dbSNP rs766346038, ClinGen allele CA399768219.

ClinVar aggregate classification (germline): Uncertain significance. Review status: criteria provided, multiple submitters, no conflicts (2 of 4 stars). 2 submissions from 2 submitters: Uncertain significance (2). Last evaluated 2024-11-10.

Conditions:
GRN-related frontotemporal lobar degeneration with Tdp43 inclusions (FTD2). Also called: DEMENTIA, HEREDITARY DYSPHASIC DISINHIBITION; FRONTOTEMPORAL LOBAR DEGENERATION WITH UBIQUITIN-POSITIVE INCLUSIONS; FTLD-TDP, GRN-RELATED; GRN Frontotemporal Dementia; FRONTOTEMPORAL DEMENTIA WITH TDP43 INCLUSIONS, GRN-RELATED. Identifiers: Orphanet 100070, Orphanet 282, MedGen C1843792, MONDO:0011842, OMIM 607485. Disease mechanism: loss of function.
Neuronal ceroid lipofuscinosis 11. Also called: GRN-Related Neuronal Ceroid-Lipofuscinosis. Identifiers: Orphanet 314629, Orphanet 79262, MedGen C3539123, MONDO:0013866, OMIM 614706.
Inborn genetic diseases. Identifiers: MedGen C0950123, MeSH D030342.

gnomAD v4.1: 2 of 1,613,540 alleles (0.00012%); highest among the groups gnomAD compares: Non-Finnish European, 0.00017%; no homozygotes.

Submissions (2):

Ambry Genetics
Classification: Uncertain significance for Inborn genetic diseases. Last evaluated: 2024-11-10. Review status: criteria provided, single submitter. Criteria: Ambry Variant Classification Scheme 2023. Collection method: clinical testing. Allele origin: germline.

Labcorp Genetics (formerly Invitae), Labcorp
Classification: Uncertain significance for Neuronal ceroid lipofuscinosis 11; GRN-related frontotemporal lobar degeneration with Tdp43 inclusions. Last evaluated: 2023-08-01. Review status: criteria provided, single submitter. Criteria: Invitae Variant Classification Sherloc (09022015). Collection method: clinical testing. Allele origin: germline.
Comment: In summary, the available evidence is currently insufficient to determine the role of this variant in disease. Therefore, it has been classified as a Variant of Uncertain Significance. Advanced modeling of protein sequence and biophysical properties (such as structural, functional, and spatial information, amino acid conservation, physicochemical variation, residue mobility, and thermodynamic stability) performed at Invitae indicates that this missense variant is expected to disrupt GRN protein function. This variant has not been reported in the literature in individuals affected with GRN-related conditions. This variant is not present in population databases (gnomAD no frequency). This sequence change replaces histidine, which is basic and polar, with aspartic acid, which is acidic and polar, at codon 402 of the GRN protein (p.His402Asp).